The following is an entry in ClinVar:

NM_001205293.3(CACNA1E):c.4735C>T (p.Arg1579Ter)

Gene: CACNA1E (calcium voltage-gated channel subunit alpha1 E; plus strand). Cytogenetic location: 1q25.3.
Variant type: single nucleotide variant.
Coding change: c.4735C>T on transcript NM_001205293.3 (MANE Select); coding-DNA position 4735, C replaced by T.
Protein change: p.Arg1579Ter; replaces arginine 1579 with a stop codon.
Molecular consequence: nonsense.
Genome position (GRCh38, 1-based): chr1:181,763,451, C>T. VCF-style: chr1-181763451-C-T. GRCh37 (hg19) VCF-style: chr1-181732587-C-T.
Other names: c.4735C>T, p.Arg1579Ter (NM_000721.4); c.4678C>T, p.Arg1560Ter (NM_001205294.2); short protein forms R1560*, R1579*.
Identifiers: ClinVar variation 2579961 (VCV002579961.2), dbSNP rs1418737979, ClinGen allele CA343626335.

ClinVar aggregate classification (germline): Uncertain significance (1 of 4 stars; one submission).

Allele frequency attached by ClinVar (database versions not stated): gnomAD exomes below 0.00001.
gnomAD v4.1: 1 of 1,605,370 alleles (0.000062%); highest among the groups gnomAD compares: Admixed American, 0.0017%; no homozygotes.

Submission:

GeneDx
Classification: Uncertain significance. Last evaluated: 2026-03-16. Review status: criteria provided, single submitter. Criteria: GeneDx Variant Classification Process June 2021. Collection method: clinical testing. Allele origin: germline.
Comment: Reported in at least one individual with autism; however, proband specific clinical information and segregation is not provided (PMID: 34312540); Nonsense variant predicted to result in protein truncation or nonsense mediated decay in a gene or region of a gene for which loss of function is not a well-established mechanism of disease; This variant is associated with the following publications: (PMID: 34312540)